The following is an entry in ClinVar:

NM_022370.4(ROBO3):c.3780G>A (p.Arg1260=)

Gene: ROBO3 (roundabout guidance receptor 3; plus strand). Cytogenetic location: 11q24.2.
Variant type: single nucleotide variant.
Coding change: c.3780G>A on transcript NM_022370.4 (MANE Select); coding-DNA position 3780, G replaced by A.
Protein change: p.Arg1260=; no amino-acid change (arginine 1260 retained).
Molecular consequence: synonymous variant. On other transcripts: non-coding transcript variant (7).
Genome position (GRCh38, 1-based): chr11:124,879,559, G>A. VCF-style: chr11-124879559-G-A. GRCh37 (hg19) VCF-style: chr11-124749455-G-A.
Other names: c.927G>A, p.Arg309= (NM_001370356.1, NM_001370357.1, NM_001370358.1 and 2 more transcripts); c.732G>A, p.Arg244= (NM_001370364.1, NM_001370366.1).
Identifiers: ClinVar variation 303274 (VCV000303274.11), dbSNP rs369974414, ClinGen allele CA6344261.

ClinVar aggregate classification (germline): Conflicting classifications of pathogenicity. Review status: criteria provided, conflicting classifications (1 of 4 stars). 4 submissions from 4 submitters: Uncertain significance (1); Benign (1); Likely benign (2). Last evaluated 2025-07-23.

Conditions:
ROBO3-related disorder. Also called: ROBO3-related condition.
Gaze palsy, familial horizontal, with progressive scoliosis 1 (HGPPS1). Identifiers: Orphanet 2744, MedGen C4551964, MONDO:0020790, OMIM 607313.

Allele frequency attached by ClinVar (database versions not stated): ESP Exome Variant Server 0.00025; ExAC 0.00032; gnomAD exomes 0.00037 and 0.00053; TOPMed 0.00038; gnomAD 0.00040 and 0.00042.
gnomAD v4.1: 824 of 1,613,146 alleles (0.051%); highest among the groups gnomAD compares: Middle Eastern, 0.23%; 2 homozygotes.

Submissions (4):

PreventionGenetics, part of Exact Sciences
Classification: Likely benign for ROBO3-related condition. Last evaluated: 2025-07-23. Review status: criteria provided, single submitter. Criteria: ACMG Guidelines, 2015. Collection method: clinical testing. Allele origin: germline.
Comment: This variant is classified as likely benign based on ACMG/AMP sequence variant interpretation guidelines (Richards et al. 2015 PMID: 25741868, with internal and published modifications).

Blueprint Genetics
Classification: Likely benign. Last evaluated: 2024-10-14. Review status: criteria provided, single submitter. Criteria: ACMG Guidelines, 2015. Collection method: clinical testing. Allele origin: germline.

Labcorp Genetics (formerly Invitae), Labcorp
Classification: Benign. Last evaluated: 2019-12-31. Review status: criteria provided, single submitter. Criteria: Invitae Variant Classification Sherloc (09022015). Collection method: clinical testing. Allele origin: germline.

Illumina Laboratory Services, Illumina
Classification: Uncertain significance for Gaze palsy, familial horizontal, with progressive scoliosis 1. Last evaluated: 2018-01-12. Review status: criteria provided, single submitter. Criteria: ICSL Variant Classification Criteria 13 December 2019. Collection method: clinical testing. Allele origin: germline.